The following is an entry in ClinVar:

NM_000321.3(RB1):c.238A>C (p.Lys80Gln)

Gene: RB1 (RB transcriptional corepressor 1; plus strand). Cytogenetic location: 13q14.2.
Variant type: single nucleotide variant.
Coding change: c.238A>C on transcript NM_000321.3 (MANE Select); coding-DNA position 238, A replaced by C.
Protein change: p.Lys80Gln; replaces lysine 80 with glutamine.
Molecular consequence: missense variant.
Genome position (GRCh38, 1-based): chr13:48,307,380, A>C. VCF-style: chr13-48307380-A-C. GRCh37 (hg19) VCF-style: chr13-48881516-A-C.
Other names: c.238A>C, p.Lys80Gln (NM_001407165.1, NM_001407166.1, NM_001407167.1); short protein forms K80Q.
Identifiers: ClinVar variation 5027999 (VCV005027999.1).

ClinVar aggregate classification (germline): Uncertain significance (1 of 4 stars; one submission).

Conditions:
Hereditary cancer-predisposing syndrome. Also called: Neoplastic Syndromes, Hereditary; Tumor predisposition; Hereditary neoplastic syndrome; Hereditary Cancer Syndrome. Identifiers: Orphanet 140162, MedGen C0027672, MeSH D009386, MONDO:0015356.

gnomAD v4.1: 1 of 1,613,572 alleles (0.000062%); highest among the groups gnomAD compares: South Asian, 0.0011%; no homozygotes.

Submission:

Ambry Genetics
Classification: Uncertain significance for Hereditary cancer-predisposing syndrome. Last evaluated: 2026-09-11. Review status: criteria provided, single submitter. Criteria: Ambry Variant Classification Scheme 2023. Collection method: clinical testing. Allele origin: germline.
Comment: The p.K80Q variant (also known as c.238A>C), located in coding exon 2 of the RB1 gene, results from an A to C substitution at nucleotide position 238. The lysine at codon 80 is replaced by glutamine, an amino acid with similar properties. This amino acid position is conserved. In addition, this alteration is predicted to be tolerated by in silico analysis. Based on the available evidence, the clinical significance of this variant remains unclear.